The following is an entry in ClinVar:

ClinVar aggregate classification (germline): Pathogenic (1 of 4 stars; one submission).

Submission:

Labcorp Genetics (formerly Invitae), Labcorp
Classification: Pathogenic. Last evaluated: 2023-05-15. Review status: criteria provided, single submitter. Criteria: Invitae Variant Classification Sherloc (09022015). Collection method: clinical testing. Allele origin: germline.
Comment: For these reasons, this variant has been classified as Pathogenic. ClinVar contains an entry for this variant (Variation ID: 1356510). This variant has not been reported in the literature in individuals affected with CTNNA1-related conditions. This variant is not present in population databases (gnomAD no frequency). This sequence change creates a premature translational stop signal (p.Ile161Tyrfs*10) in the CTNNA1 gene. It is expected to result in an absent or disrupted protein product. Loss-of-function variants in CTNNA1 are known to be pathogenic (PMID: 32051609, 34425242).

Literature cited by the submitters: PubMed 32051609; PubMed 34425242.

NM_001903.5(CTNNA1):c.479dup (p.Ile161fs)

Gene: CTNNA1 (catenin alpha 1; plus strand). Cytogenetic location: 5q31.2.
Variant type: Duplication.
Coding change: c.479dup on transcript NM_001903.5 (MANE Select); coding-DNA position 479, one base duplicated (G; older notation c.479dupG).
Protein change: p.Ile161fs; shifts the reading frame from isoleucine 161.
Molecular consequence: frameshift variant.
Genome position (GRCh38, 1-based): chr5:138,812,193, G duplicated; the last of 2 consecutive G bases (chr5:138,812,192-138,812,193); duplicating either gives the same sequence. VCF-style (leftmost placement, unchanged base first): chr5-138812191-T-TG. GRCh37 (hg19) VCF-style: chr5-138147880-T-TG.
Other names: c.479dup, p.Ile161fs (NM_001290307.3, NM_001323982.2, NM_001323983.1 and 3 more transcripts); c.170dup, p.Ile58fs (NM_001290309.3); c.110dup, p.Ile38fs (NM_001290310.3); short protein forms I161fs, I58fs, I38fs.
Identifiers: ClinVar variation 1356510 (VCV001356510.6), dbSNP rs2149736508, ClinGen allele CA2573139113.